The following is an entry in ClinVar:

NM_004991.4(MECOM):c.2957G>A (p.Cys986Tyr)

Gene: MECOM (MDS1 and EVI1 complex locus; minus strand). Cytogenetic location: 3q26.2.
Variant type: single nucleotide variant.
Coding change: c.2957G>A on transcript NM_004991.4 (MANE Select); coding-DNA position 2957, G replaced by A.
Protein change: p.Cys986Tyr; replaces cysteine 986 with tyrosine.
Molecular consequence: missense variant.
Genome position (GRCh38, 1-based): chr3:169,095,138, C>T on the plus strand (G>A on the coding strand, the complement: MECOM is on the minus strand). VCF-style: chr3-169095138-C-T. GRCh37 (hg19) VCF-style: chr3-168812926-C-T.
Other names: c.2588G>A, p.Cys863Tyr (NM_001105077.4); c.2393G>A, p.Cys798Tyr (NM_001105078.4, NM_001205194.2, NM_001366469.2 and 1 more transcripts); c.2369G>A, p.Cys790Tyr (NM_001163999.2, NM_001366470.2); c.2366G>A, p.Cys789Tyr (NM_001164000.2, NM_001366471.2, NM_001366472.2); c.2930G>A, p.Cys977Tyr (NM_001366466.2); c.2396G>A, p.Cys799Tyr (NM_001366467.2, NM_001366468.2); c.1958G>A, p.Cys653Tyr (NM_001366473.2); c.1394G>A, p.Cys465Tyr (NM_001366474.2); short protein forms C465Y, C653Y, C789Y, C790Y, C798Y, C799Y, C863Y, C977Y.
Identifiers: ClinVar variation 4859726 (VCV004859726.1).
Genomic context (GRCh38, chr3:169,095,138, plus strand): 5'-GACATGTTCCCATTCTCATGTTTCTTTAGGTGTCTGTCTAAATTGGTTTGTTGACCAAAA[C>T]ACCTATCACATAAGTGACACTTAAATGGCTTCTCTTTATTGTGGATGTTGCGAACATGCC-3'
Protein context (NP_004982.2, residues 976-996): KPFKCHLCDR[Cys986Tyr]FGQQTNLDRH

ClinVar aggregate classification (germline): Uncertain significance (1 of 4 stars; one submission).

Conditions:
Inborn genetic diseases. Identifiers: MedGen C0950123, MeSH D030342.

Submission:

Ambry Genetics
Classification: Uncertain significance for Inborn genetic diseases. Last evaluated: 2026-04-06. Review status: criteria provided, single submitter. Criteria: Ambry Variant Classification Scheme 2023. Collection method: clinical testing. Allele origin: germline.
Comment: The p.C986Y variant (also known as c.2957G>A), located in coding exon 13 of the MECOM gene, results from a G to A substitution at nucleotide position 2957. The cysteine at codon 986 is replaced by tyrosine, an amino acid with highly dissimilar properties. This amino acid position is conserved. In addition, the in silico prediction for this alteration is inconclusive. Based on the available evidence, the clinical significance of this variant remains unclear.